The following is an entry in ClinVar:

NM_004172.5(SLC1A3):c.374T>C (p.Val125Ala)

Genes: SLC1A3 (solute carrier family 1 member 3; plus strand), SLC1A3-AS1 (SLC1A3 antisense RNA 1; minus strand). Cytogenetic location: 5p13.2.
Variant type: single nucleotide variant.
Coding change: c.374T>C on transcript NM_004172.5 (MANE Select); coding-DNA position 374, T replaced by C.
Protein change: p.Val125Ala; replaces valine 125 with alanine.
Molecular consequence: missense variant.
Genome position (GRCh38, 1-based): chr5:36,671,083, T>C. VCF-style: chr5-36671083-T-C. GRCh37 (hg19) VCF-style: chr5-36671185-T-C.
Other names: c.374T>C, p.Val125Ala (NM_001166695.3, NM_001289940.2); c.236T>C, p.Val79Ala (NM_001289939.2); short protein forms V125A, V79A.
Identifiers: ClinVar variation 353312 (VCV000353312.10), dbSNP rs764799721, ClinGen allele CA3235451.

ClinVar aggregate classification (germline): Uncertain significance. Review status: criteria provided, multiple submitters, no conflicts (2 of 4 stars). 3 submissions from 3 submitters: Uncertain significance (3). Last evaluated 2025-07-31.

Conditions:
SLC1A3-related disorder. Also called: SLC1A3-related condition.
Episodic ataxia type 6. Identifiers: Orphanet 209967, MedGen C2675211, MONDO:0012982, OMIM 612656.

Allele frequency attached by ClinVar (database versions not stated): gnomAD exomes 0.00001 and 0.00002; TOPMed 0.00001; ExAC 0.00003.
gnomAD v4.1: 12 of 1,614,040 alleles (0.00074%); highest among the groups gnomAD compares: Non-Finnish European, 0.001%; no homozygotes.

Submissions (3):

Labcorp Genetics (formerly Invitae), Labcorp
Classification: Uncertain significance. Last evaluated: 2025-07-31. Review status: criteria provided, single submitter. Criteria: Invitae Variant Classification Sherloc (09022015). Collection method: clinical testing. Allele origin: germline.
Comment: This sequence change replaces valine, which is neutral and non-polar, with alanine, which is neutral and non-polar, at codon 125 of the SLC1A3 protein (p.Val125Ala). This variant is present in population databases (rs764799721, gnomAD 0.004%). This variant has not been reported in the literature in individuals affected with SLC1A3-related conditions. ClinVar contains an entry for this variant (Variation ID: 353312). Invitae Evidence Modeling of protein sequence and biophysical properties (such as structural, functional, and spatial information, amino acid conservation, physicochemical variation, residue mobility, and thermodynamic stability) indicates that this missense variant is not expected to disrupt SLC1A3 protein function with a negative predictive value of 80%. In summary, the available evidence is currently insufficient to determine the role of this variant in disease. Therefore, it has been classified as a Variant of Uncertain Significance.

PreventionGenetics, part of Exact Sciences
Classification: Uncertain significance for SLC1A3-related condition. Last evaluated: 2025-02-07. Review status: criteria provided, single submitter. Criteria: ACMG Guidelines, 2015. Collection method: clinical testing. Allele origin: germline.
Comment: The SLC1A3 c.374T>C variant is predicted to result in the amino acid substitution p.Val125Ala. To our knowledge, this variant has not been reported in the literature. This variant is reported in 0.0026% of alleles in individuals of European (Non-Finnish) descent in gnomAD. At this time, the clinical significance of this variant is uncertain due to the absence of conclusive functional and genetic evidence.

Illumina Laboratory Services, Illumina
Classification: Uncertain significance for Episodic ataxia type 6. Last evaluated: 2018-01-13. Review status: criteria provided, single submitter. Criteria: ICSL Variant Classification Criteria 13 December 2019. Collection method: clinical testing. Allele origin: germline.